The following is an entry in ClinVar:

ClinVar aggregate classification (germline): Uncertain significance (1 of 4 stars; one submission).

Conditions:
Autoimmune lymphoproliferative syndrome type 1. Also called: AUTOIMMUNE LYMPHOPROLIFERATIVE SYNDROME, TYPE I, AUTOSOMAL DOMINANT. Identifiers: Orphanet 3261, MedGen C2717884, MONDO:0011158, OMIM 601859.

Submission:

Labcorp Genetics (formerly Invitae), Labcorp
Classification: Uncertain significance for Autoimmune lymphoproliferative syndrome. Last evaluated: 2024-12-16. Review status: criteria provided, single submitter. Criteria: Invitae Variant Classification Sherloc (09022015). Collection method: clinical testing. Allele origin: germline.
Comment: This sequence change falls in intron 7 of the FAS gene. It does not directly change the encoded amino acid sequence of the FAS protein. This variant is not present in population databases (gnomAD no frequency). This variant has not been reported in the literature in individuals affected with FAS-related conditions. Experimental studies and prediction algorithms are not available or were not evaluated, and the effect of this variant on mRNA splicing is currently unknown. In summary, the available evidence is currently insufficient to determine the role of this variant in disease. Therefore, it has been classified as a Variant of Uncertain Significance.

NM_000043.6(FAS):c.651+17_651+45del

Gene: FAS (Fas cell surface death receptor; plus strand). Cytogenetic location: 10q23.31.
Variant type: Deletion.
Coding change: c.651+17_651+45del on transcript NM_000043.6 (MANE Select); bases 17 to 45 of the intron after coding-DNA position 651, 29 bases deleted (GTATCAGCTTTCCTTGAAAAGAAAAATAG).
Molecular consequence: intron variant.
Genome position (GRCh38, 1-based): chr10:89,012,098-89,012,126, GTATCAGCTTTCCTTGAAAAGAAAAATAG deleted; deleting any 29 consecutive bases within chr10:89,012,092-89,012,126 gives the same sequence; the c. name uses the placement nearest the transcript's 3' end. VCF-style (leftmost placement, unchanged base first): chr10-89012091-GAAATAGGTATCAGCTTTCCTTGAAAAGAA-G. GRCh37 (hg19) VCF-style: chr10-90771848-GAAATAGGTATCAGCTTTCCTTGAAAAGAA-G.
Other names: c.651+17_651+45del (NM_152872.4); c.569-1245_569-1217del (NM_001320619.2); c.588+17_588+45del (NM_152871.4); c.696+17_696+45del (NM_001410956.1).
Identifiers: ClinVar variation 3727327 (VCV003727327.2).
Genomic context (GRCh38, chr10:89,012,091, plus strand): 5'-AAGCACAGAAAGGAAAACCAAGGTTCTCATGAATCTCCAACTTTAAATCCTGTAGGTATT[GAAATAGGTATCAGCTTTCCTTGAAAAGAA>G]AAATAGAGAAATTAGTGATTTGGCTTTTTGTTACTTCCTTTTACTTTTTTGTTTCTTGTT-3'